The following is an entry in ClinVar:

ClinVar aggregate classification (germline): Likely benign. Review status: criteria provided, multiple submitters, no conflicts (2 of 4 stars). 3 submissions from 3 submitters: Likely benign (3). Last evaluated 2025-12-28.

Conditions:
Combined oxidative phosphorylation defect type 17. Also called: Combined oxidative phosphorylation deficiency 17. Identifiers: Orphanet 369913, MedGen C3809526, MONDO:0014190, OMIM 615440.

Allele frequency attached by ClinVar (database versions not stated): gnomAD 0.00001; TOPMed 0.00002; gnomAD exomes 0.00003.

Submissions (3):

Labcorp Genetics (formerly Invitae), Labcorp
Classification: Likely benign for Combined oxidative phosphorylation defect type 17. Last evaluated: 2025-12-28. Review status: criteria provided, single submitter. Criteria: Invitae Variant Classification Sherloc (09022015). Collection method: clinical testing. Allele origin: germline.

Blueprint Genetics
Classification: Likely benign. Last evaluated: 2022-07-06. Review status: criteria provided, single submitter. Criteria: ACMG Guidelines, 2015. Collection method: clinical testing. Allele origin: germline.

GeneDx
Classification: Likely benign. Last evaluated: 2018-05-15. Review status: criteria provided, single submitter. Criteria: GeneDx Variant Classification (06012015). Collection method: clinical testing. Allele origin: germline. Affected: yes.
Comment: This variant is considered likely benign or benign based on one or more of the following criteria: it is a conservative change, it occurs at a poorly conserved position in the protein, it is predicted to be benign by multiple in silico algorithms, and/or has population frequency not consistent with disease.

NM_018127.7(ELAC2):c.118C>T (p.Leu40=)

Gene: ELAC2 (elaC ribonuclease Z 2; minus strand). Cytogenetic location: 17p12.
Variant type: single nucleotide variant.
Coding change: c.118C>T on transcript NM_018127.7 (MANE Select); coding-DNA position 118, C replaced by T.
Protein change: p.Leu40=; no amino-acid change (leucine 40 retained).
Molecular consequence: synonymous variant.
Genome position (GRCh38, 1-based): chr17:13,017,830, G>A on the plus strand (C>T on the coding strand, the complement: ELAC2 is on the minus strand). VCF-style: chr17-13017830-G-A. GRCh37 (hg19) VCF-style: chr17-12921147-G-A.
Other names: c.118C>T, p.Leu40= (NM_001165962.2, NM_173717.2).
Identifiers: ClinVar variation 682385 (VCV000682385.6), dbSNP rs983405562, ClinGen allele CA288067389.